The following is an entry in ClinVar:

NM_001385.3(DPYS):c.672A>G (p.Ala224=)

Gene: DPYS (dihydropyrimidinase; minus strand). Cytogenetic location: 8q22.3.
Variant type: single nucleotide variant.
Coding change: c.672A>G on transcript NM_001385.3 (MANE Select); coding-DNA position 672, A replaced by G.
Protein change: p.Ala224=; no amino-acid change (alanine 224 retained).
Molecular consequence: synonymous variant.
Genome position (GRCh38, 1-based): chr8:104,444,369, T>C on the plus strand (A>G on the coding strand, the complement: DPYS is on the minus strand). VCF-style: chr8-104444369-T-C. GRCh37 (hg19) VCF-style: chr8-105456597-T-C.
Identifiers: ClinVar variation 361452 (VCV000361452.16), dbSNP rs7825427, ClinGen allele CA4838500.
Genomic context (GRCh38, chr8:104,444,369, plus strand): 5'-GAGAGGACAGTTCACAGCGCTGGCTATGGTGATGGCTCTCAGCGTGGCCTCTGCCTCCAC[T>C]GCCTCTGGGCGGCACAGCTCGTGGCCCTCAGGGCCTGTTATCCCCAGAGCCAACATCTTC-3'
Protein context (NP_001376.1, residues 214-234): PEGHELCRPE[Ala224=]VEAEATLRAI

ClinVar aggregate classification (germline): Benign. Review status: criteria provided, multiple submitters, no conflicts (2 of 4 stars). 3 submissions from 3 submitters: Benign (3). Last evaluated 2026-01-29.

Conditions:
Dihydropyrimidinase deficiency (DPYSD). Also called: dihydropyrimidinuria; DPH DEFICIENCY; DPYS DEFICIENCY. Identifiers: Orphanet 38874, MedGen C0342803, MONDO:0009111, OMIM 222748.

Allele frequency attached by ClinVar (database versions not stated): gnomAD exomes 0.00212 and 0.00576; ExAC 0.00684; gnomAD 0.01989 and 0.02132; TOPMed 0.02234; ESP Exome Variant Server 0.02268; 1000 Genomes Project 0.02296; 1000 Genomes Project 30x 0.02530.
gnomAD v4.1: 6,318 of 1,614,250 alleles (0.39%); highest among the groups gnomAD compares: African/African-American, 6.5%; 160 homozygotes.

Submissions (3):

Labcorp Genetics (formerly Invitae), Labcorp
Classification: Benign. Last evaluated: 2026-01-29. Review status: criteria provided, single submitter. Criteria: Invitae Variant Classification Sherloc (09022015). Collection method: clinical testing. Allele origin: germline.

Illumina Laboratory Services, Illumina
Classification: Benign for Dihydropyrimidinase deficiency. Last evaluated: 2018-01-13. Review status: criteria provided, single submitter. Criteria: ICSL Variant Classification Criteria 13 December 2019. Collection method: clinical testing. Allele origin: germline.
Comment: This variant was observed in the ICSL laboratory as part of a predisposition screen in an ostensibly healthy population. It had not been previously curated by ICSL or reported in the Human Gene Mutation Database (HGMD: prior to June 1st, 2018), and was therefore a candidate for classification through an automated scoring system. Utilizing variant allele frequency, disease prevalence and penetrance estimates, and inheritance mode, an automated score was calculated to assess if this variant is too frequent to cause the disease. Based on the score and internal cut-off values, a variant classified as benign is not then subjected to further curation. The score for this variant resulted in a classification of benign for this disease.

Breakthrough Genomics
Classification: Benign. Review status: criteria provided, single submitter. Criteria: ACMG Guidelines, 2015. Collection method: not provided. Allele origin: germline. Inheritance: Autosomal recessive inheritance. Affected: yes.